The following is an entry in ClinVar:

ClinVar aggregate classification (germline): Uncertain significance. Review status: criteria provided, multiple submitters, no conflicts (2 of 4 stars). 2 submissions from 2 submitters: Uncertain significance (2). Last evaluated 2025-06-03.

gnomAD v4.1: 9 of 1,613,688 alleles (0.00056%); highest among the groups gnomAD compares: East Asian, 0.0022%; no homozygotes.

Submissions (2):

Ambry Genetics
Classification: Uncertain significance. Last evaluated: 2025-06-03. Review status: criteria provided, single submitter. Criteria: Ambry Variant Classification Scheme 2023. Collection method: clinical testing. Allele origin: germline.

Mayo Clinic Laboratories, Mayo Clinic
Classification: Uncertain significance. Last evaluated: 2023-10-18. Review status: criteria provided, single submitter. Criteria: ACMG Guidelines, 2015. Collection method: clinical testing. Allele origin: germline. Observed: 1 variant allele.
Comment: BP4, PM2_moderate

NM_000452.3(SLC10A2):c.989C>T (p.Thr330Met)

Gene: SLC10A2 (solute carrier family 10 member 2; minus strand). Cytogenetic location: 13q33.1.
Variant type: single nucleotide variant.
Coding change: c.989C>T on transcript NM_000452.3 (MANE Select); coding-DNA position 989, C replaced by T.
Protein change: p.Thr330Met; replaces threonine 330 with methionine.
Molecular consequence: missense variant.
Genome position (GRCh38, 1-based): chr13:103,046,191, G>A on the plus strand (C>T on the coding strand, the complement: SLC10A2 is on the minus strand). VCF-style: chr13-103046191-G-A. GRCh37 (hg19) VCF-style: chr13-103698541-G-A.
Other names: p.Thr330Met; c.989C>T (NM_000452.2); short protein forms T330M.
Identifiers: ClinVar variation 3380166 (VCV003380166.2).
Genomic context (GRCh38, chr13:103,046,191, plus strand): 5'-GTCTACTTTTCGTCAGGTTGAAATCCTCCATTTGCCTTATAAAACGATGACTCTGGCTCC[G>A]TTCCATTTTCTTTGCTCTCTGGAATTTCTGCCTTGTTTTTTCCATGACATTTCTTGTATG-3'
Protein context (NP_000443.2, residues 320-340): AEIPESKENG[Thr330Met]EPESSFYKAN